The following is an entry in ClinVar:

NM_000268.4(NF2):c.1500C>T (p.Leu500=)

Gene: NF2 (NF2, moesin-ezrin-radixin like (MERLIN) tumor suppressor; plus strand). Cytogenetic location: 22q12.2.
Variant type: single nucleotide variant.
Coding change: c.1500C>T on transcript NM_000268.4 (MANE Select); coding-DNA position 1500, C replaced by T.
Protein change: p.Leu500=; no amino-acid change (leucine 500 retained).
Molecular consequence: synonymous variant. On other transcripts: non-coding transcript variant (1), intron variant (1).
Genome position (GRCh38, 1-based): chr22:29,678,249, C>T. VCF-style: chr22-29678249-C-T. GRCh37 (hg19) VCF-style: chr22-30074238-C-T.
Other names: c.1500C>T, p.Leu500= (NM_016418.5, NM_181825.3, NM_181832.3); c.1374C>T, p.Leu458= (NM_181828.3); c.1377C>T, p.Leu459= (NM_181829.3); c.1251C>T, p.Leu417= (NM_181830.3, NM_181831.3); c.448-16503C>T (NM_181833.3).
Identifiers: ClinVar variation 485987 (VCV000485987.17), dbSNP rs758182356, ClinGen allele CA031780.

ClinVar aggregate classification (germline): Conflicting classifications of pathogenicity. Review status: criteria provided, conflicting classifications (1 of 4 stars). 4 submissions from 4 submitters: Uncertain significance (1); Likely benign (3). Last evaluated 2026-01-08.

Conditions:
Hereditary cancer-predisposing syndrome. Also called: Hereditary neoplastic syndrome; Hereditary Cancer Syndrome; Neoplastic Syndromes, Hereditary; Tumor predisposition. Identifiers: Orphanet 140162, MedGen C0027672, MeSH D009386, MONDO:0015356.
Neurofibromatosis, type 2 (SWNV). Also called: SCHWANNOMATOSIS, VESTIBULAR; BILATERAL ACOUSTIC NEUROFIBROMATOSIS; NF2-Related Schwannomatosis. Identifiers: Orphanet 637, MedGen C0027832, MONDO:0007039, OMIM 101000. Disease mechanism: loss of function.

Allele frequency attached by ClinVar (database versions not stated): ExAC 0.00001; gnomAD exomes 0.00001; TOPMed 0.00001; gnomAD 0.00002.
gnomAD v4.1: 12 of 1,614,048 alleles (0.00074%); highest among the groups gnomAD compares: Admixed American, 0.0017%; no homozygotes.

Submissions (4):

Labcorp Genetics (formerly Invitae), Labcorp
Classification: Likely benign for Neurofibromatosis, type 2. Last evaluated: 2026-01-08. Review status: criteria provided, single submitter. Criteria: Invitae Variant Classification Sherloc (09022015). Collection method: clinical testing. Allele origin: germline.

Color Diagnostics, LLC DBA Color Health
Classification: Likely benign for Neurofibromatosis, type 2. Last evaluated: 2025-05-26. Review status: criteria provided, single submitter. Criteria: ACMG Guidelines, 2015. Collection method: clinical testing. Allele origin: germline.

All of Us Research Program, National Institutes of Health
Classification: Uncertain significance for Neurofibromatosis, type 2. Last evaluated: 2023-11-02. Review status: criteria provided, single submitter. Criteria: ACMG Guidelines, 2015. Collection method: clinical testing. Allele origin: germline. Inheritance: Autosomal dominant inheritance. Observed: 4 variant alleles, 4 heterozygotes.
Comment: This variant is located in the NF2 protein. To our knowledge, functional studies have not been reported for this variant. This variant has not been reported in individuals affected with NF2-related disorders in the literature. This variant has been identified in 2/251496 chromosomes in the general population by the Genome Aggregation Database (gnomAD). The available evidence is insufficient to determine the role of this variant in disease conclusively. Therefore, this variant is classified as a Variant of Uncertain Significance.

This study involves interpretation of variants in research participants for the purpose of population health screening. Participant phenotype was not available at the time of variant classification. Additional details can be found in publication PMID: 35346344, PMCID: PMC8962531

Ambry Genetics
Classification: Likely benign for Hereditary cancer-predisposing syndrome. Last evaluated: 2017-06-12. Review status: criteria provided, single submitter. Criteria: Ambry Variant Classification Scheme 2023. Collection method: clinical testing. Allele origin: germline.